The following is an entry in ClinVar:

NM_003482.4(KMT2D):c.12506G>T (p.Gly4169Val)

Gene: KMT2D (lysine methyltransferase 2D; minus strand). Cytogenetic location: 12q13.12.
Variant type: single nucleotide variant.
Coding change: c.12506G>T on transcript NM_003482.4 (MANE Select); coding-DNA position 12506, G replaced by T.
Protein change: p.Gly4169Val; replaces glycine 4169 with valine.
Molecular consequence: missense variant.
Genome position (GRCh38, 1-based): chr12:49,032,199, C>A on the plus strand (G>T on the coding strand, the complement: KMT2D is on the minus strand). VCF-style: chr12-49032199-C-A. GRCh37 (hg19) VCF-style: chr12-49425982-C-A.
Other names: short protein forms G4169V.
Identifiers: ClinVar variation 1402284 (VCV001402284.8), dbSNP rs2120429357, ClinGen allele CA384711152.

ClinVar aggregate classification (germline): Uncertain significance (1 of 4 stars; one submission).

Conditions:
Kabuki syndrome. Also called: NIIKAWA-KUROKI SYNDROME; Kabuki make-up syndrome. Identifiers: Orphanet 2322, MedGen C0796004, MONDO:0016512.

Allele frequency attached by ClinVar (database versions not stated): gnomAD exomes below 0.00001.
gnomAD v4.1: 4 of 1,612,794 alleles (0.00025%); highest among the groups gnomAD compares: Non-Finnish European, 0.00034%; no homozygotes.

Submission:

Labcorp Genetics (formerly Invitae), Labcorp
Classification: Uncertain significance for Kabuki syndrome. Last evaluated: 2023-12-07. Review status: criteria provided, single submitter. Criteria: Invitae Variant Classification Sherloc (09022015). Collection method: clinical testing. Allele origin: germline.
Comment: This sequence change replaces glycine, which is neutral and non-polar, with valine, which is neutral and non-polar, at codon 4169 of the KMT2D protein (p.Gly4169Val). This variant is not present in population databases (gnomAD no frequency). This variant has not been reported in the literature in individuals affected with KMT2D-related conditions. ClinVar contains an entry for this variant (Variation ID: 1402284). Advanced modeling of protein sequence and biophysical properties (such as structural, functional, and spatial information, amino acid conservation, physicochemical variation, residue mobility, and thermodynamic stability) performed at Invitae indicates that this missense variant is not expected to disrupt KMT2D protein function with a negative predictive value of 95%. In summary, the available evidence is currently insufficient to determine the role of this variant in disease. Therefore, it has been classified as a Variant of Uncertain Significance.